The following is an entry in ClinVar:

ClinVar aggregate classification (germline): Uncertain significance (1 of 4 stars; one submission).

Submission:

GeneDx
Classification: Uncertain significance. Last evaluated: 2026-02-01. Review status: criteria provided, single submitter. Criteria: GeneDx Variant Classification Process June 2021. Collection method: clinical testing. Allele origin: germline.
Comment: Not observed at significant frequency in large population cohorts (gnomAD); In silico analysis supports that this missense variant has a deleterious effect on protein structure/function; Has not been previously published as pathogenic or benign to our knowledge; This variant is associated with the following publications: (PMID: 20300201)

NM_139058.3(ARX):c.1107G>T (p.Glu369Asp)

Gene: ARX (aristaless related homeobox; minus strand). Cytogenetic location: Xp21.3.
Variant type: single nucleotide variant.
Coding change: c.1107G>T on transcript NM_139058.3 (MANE Select); coding-DNA position 1107, G replaced by T.
Protein change: p.Glu369Asp; replaces glutamic acid 369 with aspartic acid.
Molecular consequence: missense variant.
Genome position (GRCh38, 1-based): chrX:25,010,272, C>A on the plus strand (G>T on the coding strand, the complement: ARX is on the minus strand). VCF-style: chrX-25010272-C-A. GRCh37 (hg19) VCF-style: chrX-25028389-C-A.
Other names: short protein forms E369D.
Identifiers: ClinVar variation 4975391 (VCV004975391.1).
Genomic context (GRCh38, chrX:25,010,272, plus strand): 5'-TGGCCCCCAGCCCTCCTCCCTCCCTCTTCCCTCTGTTGTGCAGCTCACCTGGACTCGGGC[C>A]TCGGTCAAGTCCAGCCTCATGGCCAGTTCCTCCCTATAAGAAAGCAACACACAGACAGGA-3'
Protein context (NP_620689.1, residues 359-379): EELAMRLDLT[Glu369Asp]ARVQVWFQNR